The following is an entry in ClinVar:

ClinVar aggregate classification (germline): Uncertain significance (1 of 4 stars; one submission).

Allele frequency attached by ClinVar (database versions not stated): gnomAD 0.00001; TOPMed 0.00001; ExAC 0.00002; 1000 Genomes Project 30x 0.00016; 1000 Genomes Project 0.00020.
gnomAD v4.1: 10 of 1,614,036 alleles (0.00062%); highest among the groups gnomAD compares: African/African-American, 0.0013%; no homozygotes.

Submission:

Labcorp Genetics (formerly Invitae), Labcorp
Classification: Uncertain significance. Last evaluated: 2022-09-29. Review status: criteria provided, single submitter. Criteria: Invitae Variant Classification Sherloc (09022015). Collection method: clinical testing. Allele origin: germline.
Comment: This sequence change replaces arginine, which is basic and polar, with glutamine, which is neutral and polar, at codon 208 of the ASNS protein (p.Arg208Gln). This variant is present in population databases (rs201916212, gnomAD 0.007%). This variant has not been reported in the literature in individuals affected with ASNS-related conditions. Advanced modeling of protein sequence and biophysical properties (such as structural, functional, and spatial information, amino acid conservation, physicochemical variation, residue mobility, and thermodynamic stability) performed at Invitae indicates that this missense variant is not expected to disrupt ASNS protein function. Algorithms developed to predict the effect of sequence changes on RNA splicing suggest that this variant may create or strengthen a splice site. In summary, the available evidence is currently insufficient to determine the role of this variant in disease. Therefore, it has been classified as a Variant of Uncertain Significance.

NM_001673.5(ASNS):c.623G>A (p.Arg208Gln)

Genes: ASNS (asparagine synthetase (glutamine-hydrolyzing); minus strand), CZ1P-ASNS (CZ1P-ASNS readthrough; minus strand). Cytogenetic location: 7q21.3.
Variant type: single nucleotide variant.
Coding change: c.623G>A on transcript NM_001673.5 (MANE Select); coding-DNA position 623, G replaced by A.
Protein change: p.Arg208Gln; replaces arginine 208 with glutamine.
Molecular consequence: missense variant. On other transcripts: non-coding transcript variant (1).
Genome position (GRCh38, 1-based): chr7:97,859,263, C>T on the plus strand (G>A on the coding strand, the complement: ASNS is on the minus strand). VCF-style: chr7-97859263-C-T. GRCh37 (hg19) VCF-style: chr7-97488575-C-T.
Other names: c.560G>A, p.Arg187Gln (NM_001178075.2); c.374G>A, p.Arg125Gln (NM_001178076.2, NM_001178077.1); c.623G>A, p.Arg208Gln (NM_001352496.2, NM_133436.3, NM_183356.4); short protein forms R125Q, R208Q, R187Q.
Identifiers: ClinVar variation 2199721 (VCV002199721.1), dbSNP rs201916212, ClinGen allele CA4354736.
Genomic context (GRCh38, chr7:97,859,263, plus strand): 5'-TGTCTGCTACCTGGAAAGAGTTTCTCCACATTGTCATAGAGGGCGTGCAGGGGTACATCC[C>T]GACAGTGATGATATTTAACCATTTCCACGGATGCAACTTTGCCATTTGGCTTTAAATCCA-3'
Protein context (NP_001664.3, residues 198-218): SVEMVKYHHC[Arg208Gln]DVPLHALYDN